The following is an entry in ClinVar:

NM_198253.3(TERT):c.3291G>C (p.Arg1097Ser)

Gene: TERT (telomerase reverse transcriptase; minus strand). Cytogenetic location: 5p15.33.
Variant type: single nucleotide variant.
Coding change: c.3291G>C on transcript NM_198253.3 (MANE Select); coding-DNA position 3291, G replaced by C.
Protein change: p.Arg1097Ser; replaces arginine 1097 with serine.
Molecular consequence: missense variant. On other transcripts: non-coding transcript variant (2).
Genome position (GRCh38, 1-based): chr5:1,254,372, C>G on the plus strand (G>C on the coding strand, the complement: TERT is on the minus strand). VCF-style: chr5-1254372-C-G. GRCh37 (hg19) VCF-style: chr5-1254487-C-G.
Other names: c.3102G>C, p.Arg1034Ser (NM_001193376.3); short protein forms R1034S, R1097S.
Identifiers: ClinVar variation 4182792 (VCV004182792.1).

ClinVar aggregate classification (germline): Uncertain significance (1 of 4 stars; one submission).

Conditions:
Dyskeratosis congenita. Identifiers: Orphanet 1775, MedGen C0265965, MONDO:0015780.

Submission:

Ambry Genetics
Classification: Uncertain significance for Dyskeratosis congenita. Last evaluated: 2025-07-14. Review status: criteria provided, single submitter. Criteria: Ambry Variant Classification Scheme 2023. Collection method: clinical testing. Allele origin: germline.
Comment: The p.R1097S variant (also known as c.3291G>C), located in coding exon 15 of the TERT gene, results from a G to C substitution at nucleotide position 3291. The arginine at codon 1097 is replaced by serine, an amino acid with dissimilar properties. This amino acid position is conserved. In addition, the in silico prediction for this alteration is inconclusive. Based on the available evidence, the clinical significance of this variant remains unclear.